The following is an entry in ClinVar:

NM_006393.3(NEBL):c.1241A>C (p.Lys414Thr)

Gene: NEBL (nebulette; minus strand). Cytogenetic location: 10p12.31.
Variant type: single nucleotide variant.
Coding change: c.1241A>C on transcript NM_006393.3 (MANE Select); coding-DNA position 1241, A replaced by C.
Protein change: p.Lys414Thr; replaces lysine 414 with threonine.
Molecular consequence: missense variant. On other transcripts: intron variant (9).
Genome position (GRCh38, 1-based): chr10:20,840,836, T>G on the plus strand (A>C on the coding strand, the complement: NEBL is on the minus strand). VCF-style: chr10-20840836-T-G. GRCh37 (hg19) VCF-style: chr10-21129765-T-G.
Other names: c.250-27896A>C (NM_001377326.1, NM_001377327.1, NM_001377328.1); c.358-27896A>C (NM_213569.2, NM_001173484.2, NM_001377322.1); c.301-27896A>C (NM_001377324.1); c.292-27896A>C (NM_001377325.1); c.310-27896A>C (NM_001377323.1); short protein forms K414T.
Identifiers: ClinVar variation 2706381 (VCV002706381.3), dbSNP rs2491889680, ClinGen allele CA376099330.
Genomic context (GRCh38, chr10:20,840,836, plus strand): 5'-ATATCAAGAACTTCTGAATTAAGTTCCATTCCTTTCCCTTTTATCTCATTTTCCAAATCT[T>G]TTTTATATTCTTTCTATGAGACAAGAATATCACAGTTCAAAACTTAGCAGGAATCACTTT-3'
Protein context (NP_006384.1, residues 404-424): TNLLREKEYK[Lys414Thr]DLENEIKGKG

ClinVar aggregate classification (germline): Uncertain significance (1 of 4 stars; one submission).

Conditions:
Primary dilated cardiomyopathy (DCM). Also called: Dilated Cardiomyopathy. Identifiers: Orphanet 217604, MedGen C0007193, MeSH D002311, MONDO:0005021, HP:0001644. Inheritance: Various modes of inheritance.

Allele frequency attached by ClinVar (database versions not stated): gnomAD exomes below 0.00001.
gnomAD v4.1: 1 of 1,572,852 alleles (0.000064%); highest among the groups gnomAD compares: African/African-American, 0.0013%; no homozygotes.

Submission:

Labcorp Genetics (formerly Invitae), Labcorp
Classification: Uncertain significance for Primary dilated cardiomyopathy. Last evaluated: 2023-12-31. Review status: criteria provided, single submitter. Criteria: Invitae Variant Classification Sherloc (09022015). Collection method: clinical testing. Allele origin: germline.
Comment: This sequence change replaces lysine, which is basic and polar, with threonine, which is neutral and polar, at codon 414 of the NEBL protein (p.Lys414Thr). This variant is not present in population databases (gnomAD no frequency). This variant has not been reported in the literature in individuals affected with NEBL-related conditions. An algorithm developed to predict the effect of missense changes on protein structure and function (PolyPhen-2) suggests that this variant is likely to be disruptive. In summary, the available evidence is currently insufficient to determine the role of this variant in disease. Therefore, it has been classified as a Variant of Uncertain Significance.